The following is an entry in ClinVar:

ClinVar aggregate classification (germline): Benign/Likely benign. Review status: criteria provided, multiple submitters, no conflicts (2 of 4 stars). 3 submissions from 3 submitters: Benign (1); Likely benign (1). 1 of the submissions does not count toward it. Last evaluated 2026-01-24.

Conditions:
Primary ciliary dyskinesia 33. Also called: CILIARY DYSKINESIA, PRIMARY, 33, WITHOUT SITUS INVERSUS. Identifiers: Orphanet 244, MedGen C4225230, MONDO:0014750, OMIM 616726.
GAS8-related disorder. Also called: GAS8-related condition.

Allele frequency attached by ClinVar (database versions not stated): gnomAD exomes 0.00066 and 0.00176; gnomAD 0.00077 and 0.00088; TOPMed 0.00110; 1000 Genomes Project 30x 0.00187; ExAC 0.00195; 1000 Genomes Project 0.00240.
gnomAD v4.1: 1,239 of 1,613,970 alleles (0.077%); highest among the groups gnomAD compares: East Asian, 1.5%; 9 homozygotes.

Submissions (3):

Labcorp Genetics (formerly Invitae), Labcorp
Classification: Benign for Primary ciliary dyskinesia 33. Last evaluated: 2026-01-24. Review status: criteria provided, single submitter. Criteria: Invitae Variant Classification Sherloc (09022015). Collection method: clinical testing. Allele origin: germline.

Blueprint Genetics
Classification: Likely benign. Last evaluated: 2024-11-25. Review status: criteria provided, single submitter. Criteria: ACMG Guidelines, 2015. Collection method: clinical testing. Allele origin: germline.

PreventionGenetics, part of Exact Sciences
Classification: Benign for GAS8-related condition. Last evaluated: 2019-09-12. Review status: no assertion criteria provided. Collection method: clinical testing. Allele origin: germline. Not counted in ClinVar's aggregate classification.
Comment: This variant is classified as benign based on ACMG/AMP sequence variant interpretation guidelines (Richards et al. 2015 PMID: 25741868, with internal and published modifications).

NM_001481.3(DRC4):c.407G>C (p.Ser136Thr)

Gene: DRC4 (dynein regulatory complex subunit 4; plus strand). Cytogenetic location: 16q24.3.
Variant type: single nucleotide variant.
Coding change: c.407G>C on transcript NM_001481.3 (MANE Select); coding-DNA position 407, G replaced by C.
Protein change: p.Ser136Thr; replaces serine 136 with threonine.
Molecular consequence: missense variant. On other transcripts: 5 prime UTR variant (1).
Genome position (GRCh38, 1-based): chr16:90,032,836, G>C. VCF-style: chr16-90032836-G-C. GRCh37 (hg19) VCF-style: chr16-90099244-G-C.
Other names: c.158G>C, p.Ser53Thr (NM_001286205.2); c.-115G>C (NM_001286208.2); c.332G>C, p.Ser111Thr (NM_001286209.2); short protein forms S111T, S136T, S53T.
Identifiers: ClinVar variation 542271 (VCV000542271.15), dbSNP rs148760410, ClinGen allele CA8257786.